The following is an entry in ClinVar:

ClinVar aggregate classification (germline): Pathogenic (1 of 4 stars; one submission).

Submission:

Mayo Clinic Laboratories, Mayo Clinic
Classification: Pathogenic. Last evaluated: 2024-11-14. Review status: criteria provided, single submitter. Criteria: ACMG Guidelines, 2015. Collection method: clinical testing. Allele origin: germline. Observed: 1 variant allele.
Comment: PM2_supporting, PS3_supporting, PVS1

Literature cited by the submitters: PubMed 31203368.

NM_016525.5(UBAP1):c.324_325del (p.His108fs)

Gene: UBAP1 (ubiquitin associated protein 1; plus strand). Cytogenetic location: 9p13.3.
Variant type: Microsatellite.
Coding change: c.324_325del on transcript NM_016525.5 (MANE Select); coding-DNA positions 324 to 325, 2 bases deleted (CA; older notation c.324_325delCA).
Protein change: p.His108fs; shifts the reading frame from histidine 108.
Molecular consequence: frameshift variant. On other transcripts: non-coding transcript variant (1).
Genome position (GRCh38, 1-based): chr9:34,241,349-34,241,350, CA deleted; deleting any 2 consecutive bases within chr9:34,241,347-34,241,350 gives the same sequence; the c. name uses the placement nearest the transcript's 3' end. VCF-style (leftmost placement, unchanged base first): chr9-34241346-TCA-T. GRCh37 (hg19) VCF-style: chr9-34241344-TCA-T.
Other names: p.His172Glnfs*10; c.516_517del, p.His172fs (NM_001171201.1); c.432_433del, p.His144fs (NM_001171202.1); c.324_325del, p.His108fs (NM_001171203.3, NM_001171204.3); short protein forms H108fs, H144fs, H172fs.
Identifiers: ClinVar variation 4541426 (VCV004541426.1).